The following is an entry in ClinVar:

ClinVar aggregate classification (germline): Pathogenic (1 of 4 stars; one submission).

Conditions:
Deficiency of UDPglucose-hexose-1-phosphate uridylyltransferase. Also called: Transferase Deficiency Galactosemia; GALACTOSEMIA I; GALACTOSE-1-PHOSPHATE URIDYLYLTRANSFERASE DEFICIENCY; GALT deficiency; Galactosemia, classic. Identifiers: Orphanet 352, Orphanet 79239, MedGen C0268151, MONDO:0009258, OMIM 230400.

Submission:

Labcorp Genetics (formerly Invitae), Labcorp
Classification: Pathogenic for Deficiency of UDPglucose-hexose-1-phosphate uridylyltransferase. Last evaluated: 2025-01-13. Review status: criteria provided, single submitter. Criteria: Invitae Variant Classification Sherloc (09022015). Collection method: clinical testing. Allele origin: germline.
Comment: This sequence change creates a premature translational stop signal (p.Glu159Leufs*17) in the GALT gene. It is expected to result in an absent or disrupted protein product. Loss-of-function variants in GALT are known to be pathogenic (PMID: 22944367). This variant is not present in population databases (gnomAD no frequency). This variant has not been reported in the literature in individuals affected with GALT-related conditions. ClinVar contains an entry for this variant (Variation ID: 2070077). Algorithms developed to predict the effect of sequence changes on RNA splicing suggest that this variant may disrupt the consensus splice site. For these reasons, this variant has been classified as Pathogenic.

Literature cited by the submitters: PubMed 22944367.

NM_000155.4(GALT):c.465_474dup (p.Glu159fs)

Gene: GALT (galactose-1-phosphate uridylyltransferase; plus strand). Cytogenetic location: 9p13.3.
Variant type: Duplication.
Coding change: c.465_474dup on transcript NM_000155.4 (MANE Select); coding-DNA positions 465 to 474, 10 bases duplicated (CTCAGTCACA; older notation c.465_474dupCTCAGTCACA).
Protein change: p.Glu159fs; shifts the reading frame from glutamic acid 159.
Molecular consequence: frameshift variant.
Genome position (GRCh38, 1-based): chr9:34,647,919-34,647,928, CTCAGTCACA duplicated. VCF-style (leftmost placement, unchanged base first): chr9-34647918-C-CCTCAGTCACA. GRCh37 (hg19) VCF-style: chr9-34647915-C-CCTCAGTCACA.
Other names: c.138_147dup, p.Glu50fs (NM_001258332.2); short protein forms E159fs, E50fs.
Identifiers: ClinVar variation 2070077 (VCV002070077.4), dbSNP rs2492866691, ClinGen allele CA2580080386.